The following is an entry in ClinVar:

ClinVar aggregate classification (germline): Uncertain significance (1 of 4 stars; one submission).

Conditions:
Amyotrophic lateral sclerosis type 6. Also called: FUS-Related Amyotrophic Laterial Sclerosis; AMYOTROPHIC LATERAL SCLEROSIS 6 WITHOUT FRONTOTEMPORAL DEMENTIA; Amyotrophic lateral sclerosis 6, with or without frontotemporal dementia. Identifiers: Orphanet 275872, Orphanet 803, MedGen C2931786, MONDO:0011951, OMIM 608030.
Tremor, hereditary essential, 4 (ETM4). Identifiers: MedGen C3539195, MONDO:0013888, OMIM 614782.

Allele frequency attached by ClinVar (database versions not stated): gnomAD exomes below 0.00001.
gnomAD v4.1: 1 of 1,608,854 alleles (0.000062%); highest among the groups gnomAD compares: Admixed American, 0.0017%; no homozygotes.

Submission:

Labcorp Genetics (formerly Invitae), Labcorp
Classification: Uncertain significance for Tremor, hereditary essential, 4; Amyotrophic lateral sclerosis type 6. Last evaluated: 2022-12-19. Review status: criteria provided, single submitter. Criteria: Invitae Variant Classification Sherloc (09022015). Collection method: clinical testing. Allele origin: germline.
Comment: In summary, the available evidence is currently insufficient to determine the role of this variant in disease. Therefore, it has been classified as a Variant of Uncertain Significance. This variant disrupts the p.His517 amino acid residue in FUS. Other variant(s) that disrupt this residue have been observed in individuals with FUS-related conditions (PMID: 20472325, 28288521), which suggests that this may be a clinically significant amino acid residue. Algorithms developed to predict the effect of missense changes on protein structure and function (SIFT, PolyPhen-2, Align-GVGD) all suggest that this variant is likely to be tolerated. This variant has not been reported in the literature in individuals affected with FUS-related conditions. This variant is present in population databases (no rsID available, gnomAD 0.003%). This sequence change replaces histidine, which is basic and polar, with asparagine, which is neutral and polar, at codon 517 of the FUS protein (p.His517Asn).

Literature cited by the submitters: PubMed 20472325; PubMed 28288521.

NM_004960.4(FUS):c.1549C>A (p.His517Asn)

Gene: FUS (FUS RNA binding protein; plus strand). Cytogenetic location: 16p11.2.
Variant type: single nucleotide variant.
Coding change: c.1549C>A on transcript NM_004960.4 (MANE Select); coding-DNA position 1549, C replaced by A.
Protein change: p.His517Asn; replaces histidine 517 with asparagine.
Molecular consequence: missense variant. On other transcripts: non-coding transcript variant (1).
Genome position (GRCh38, 1-based): chr16:31,191,406, C>A. VCF-style: chr16-31191406-C-A. GRCh37 (hg19) VCF-style: chr16-31202727-C-A.
Other names: c.1546C>A, p.His516Asn (NM_001170634.1); c.1537C>A, p.His513Asn (NM_001170937.1); short protein forms H517N, H513N, H516N.
Identifiers: ClinVar variation 2935722 (VCV002935722.3), dbSNP rs1482400225, ClinGen allele CA395677320.